The following is an entry in ClinVar:

NM_001382430.1(AKT1):c.728G>A (p.Arg243His)

Gene: AKT1 (AKT serine/threonine kinase 1; minus strand). Cytogenetic location: 14q32.33.
Variant type: single nucleotide variant.
Coding change: c.728G>A on transcript NM_001382430.1 (MANE Select); coding-DNA position 728, G replaced by A.
Protein change: p.Arg243His; replaces arginine 243 with histidine.
Molecular consequence: missense variant.
Genome position (GRCh38, 1-based): chr14:104,773,555, C>T on the plus strand (G>A on the coding strand, the complement: AKT1 is on the minus strand). VCF-style: chr14-104773555-C-T. GRCh37 (hg19) VCF-style: chr14-105239892-C-T.
Other names: c.728G>A, p.Arg243His (NM_001014431.2, NM_001014432.2, NM_001382431.1 and 3 more transcripts); short protein forms R243H.
Identifiers: ClinVar variation 1758103 (VCV001758103.2), dbSNP rs1892525199, ClinGen allele CA391218503.
Genomic context (GRCh38, chr14:104,773,555, plus strand): 5'-TAGTCCAGGGCTGACACAATCTCAGCGCCATAGAAGCGGGCCCGGTCCTCGGAGAACACA[C>T]GCTCCCGGGACAGGTGGAAGAACAGCTGCGGGAGGCGCAACCTGAGGCACAGCCGTGGCT-3'
Protein context (NP_001369359.1, residues 233-253): GELFFHLSRE[Arg243His]VFSEDRARFY

ClinVar aggregate classification (germline): Uncertain significance (1 of 4 stars; one submission).

Conditions:
Inborn genetic diseases. Identifiers: MedGen C0950123, MeSH D030342.

Allele frequency attached by ClinVar (database versions not stated): TOPMed below 0.00001; gnomAD 0.00001; gnomAD exomes 0.00001.
gnomAD v4.1: 8 of 1,609,398 alleles (0.0005%); highest among the groups gnomAD compares: Non-Finnish European, 0.00068%; no homozygotes.

Submission:

Ambry Genetics
Classification: Uncertain significance for Inborn genetic diseases. Last evaluated: 2024-02-29. Review status: criteria provided, single submitter. Criteria: Ambry Variant Classification Scheme 2023. Collection method: clinical testing. Allele origin: germline.
Comment: The p.R243H variant (also known as c.728G>A), located in coding exon 8 of the AKT1 gene, results from a G to A substitution at nucleotide position 728. The arginine at codon 243 is replaced by histidine, an amino acid with highly similar properties. This amino acid position is conserved. In addition, this alteration is predicted to be tolerated by in silico analysis. Since supporting evidence is limited at this time, the clinical significance of this alteration remains unclear.